The following is an entry in ClinVar:

ClinVar aggregate classification (germline): Pathogenic/Likely pathogenic. Review status: criteria provided, multiple submitters, no conflicts (2 of 4 stars). 2 submissions from 2 submitters: Pathogenic (1); Likely pathogenic (1). Last evaluated 2023-08-07.

Conditions:
Severe combined immunodeficiency disease. Also called: Severe combined immunodeficiency; Severe Combined Immune Deficiency. Identifiers: Orphanet 183660, MedGen C0085110, MeSH D016511, MONDO:0015974, HP:0004430. Inheritance: X-Linked or Autosomal recessive.
Combined immunodeficiency due to DOCK8 deficiency (HIES2). Also called: HIES autosomal recessive; Hyper-IgE recurrent infection syndrome, autosomal recessive; HYPER-IgE SYNDROME 2, AUTOSOMAL RECESSIVE, WITH RECURRENT INFECTIONS; HYPER-IgE RECURRENT INFECTION SYNDROME 2, AUTOSOMAL RECESSIVE; DOCK8 Deficiency. Identifiers: Orphanet 217390, MedGen C4722305, MONDO:0009478, OMIM 243700.

Allele frequency attached by ClinVar (database versions not stated): gnomAD 0.00001; TOPMed 0.00003; ESP Exome Variant Server 0.00008.

Submissions (2):

Labcorp Genetics (formerly Invitae), Labcorp
Classification: Pathogenic for Combined immunodeficiency due to DOCK8 deficiency. Last evaluated: 2023-08-07. Review status: criteria provided, single submitter. Criteria: Invitae Variant Classification Sherloc (09022015). Collection method: clinical testing. Allele origin: germline.
Comment: This sequence change creates a premature translational stop signal (p.Gln392*) in the DOCK8 gene. It is expected to result in an absent or disrupted protein product. Loss-of-function variants in DOCK8 are known to be pathogenic (PMID: 14722525, 19776401). This variant is present in population databases (rs372598000, gnomAD 0.01%). This variant has not been reported in the literature in individuals affected with DOCK8-related conditions. ClinVar contains an entry for this variant (Variation ID: 1696050). For these reasons, this variant has been classified as Pathogenic.

Women's Health and Genetics/Laboratory Corporation of America, LabCorp
Classification: Likely pathogenic for Severe combined immunodeficiency disease. Last evaluated: 2022-05-23. Review status: criteria provided, single submitter. Criteria: LabCorp Variant Classification Summary - May 2015. Collection method: clinical testing. Allele origin: germline.
Comment: Variant summary: DOCK8 c.1174C>T (p.Gln392X) results in a premature termination codon, predicted to cause a truncation of the encoded protein or absence of the protein due to nonsense mediated decay, which are commonly known mechanisms for disease. The variant was absent in 251258 control chromosomes (gnomAD). To our knowledge, no occurrence of c.1174C>T in individuals affected with Severe Combined Immunodeficiency and no experimental evidence demonstrating its impact on protein function have been reported. No clinical diagnostic laboratories have submitted clinical-significance assessments for this variant to ClinVar after 2014. Based on the evidence outlined above, the variant was classified as likely pathogenic.

Literature cited by the submitters: PubMed 14722525 (cited by Labcorp Genetics (formerly Invitae), Labcorp); PubMed 19776401 (cited by Labcorp Genetics (formerly Invitae), Labcorp).

NM_203447.4(DOCK8):c.1174C>T (p.Gln392Ter)

Gene: DOCK8 (dedicator of cytokinesis 8; plus strand). Cytogenetic location: 9p24.3.
Variant type: single nucleotide variant.
Coding change: c.1174C>T on transcript NM_203447.4 (MANE Select); coding-DNA position 1174, C replaced by T.
Protein change: p.Gln392Ter; replaces glutamine 392 with a stop codon.
Molecular consequence: nonsense.
Genome position (GRCh38, 1-based): chr9:334,273, C>T. VCF-style: chr9-334273-C-T. GRCh37 (hg19) VCF-style: chr9-334273-C-T.
Other names: c.970C>T, p.Gln324Ter (NM_001190458.2, NM_001193536.2); short protein forms Q324*, Q392*.
Identifiers: ClinVar variation 1696050 (VCV001696050.4), dbSNP rs372598000, ClinGen allele CA187758823.